The following is an entry in ClinVar:

ClinVar aggregate classification (germline): Uncertain significance (1 of 4 stars; one submission).

Conditions:
Inborn genetic diseases. Identifiers: MedGen C0950123, MeSH D030342.

Submission:

Ambry Genetics
Classification: Uncertain significance for Inborn genetic diseases. Last evaluated: 2017-05-15. Review status: criteria provided, single submitter. Criteria: Ambry Variant Classification Scheme 2023. Collection method: clinical testing. Allele origin: germline.
Comment: The p.P104T variant (also known as c.310C>A), located in coding exon 5 of the CDKL5 gene, results from a C to A substitution at nucleotide position 310. The proline at codon 104 is replaced by threonine, an amino acid with highly similar properties. This amino acid position is highly conserved in available vertebrate species. In addition, this alteration is predicted to be tolerated by in silico analysis. Since supporting evidence is limited at this time, the clinical significance of this alteration remains unclear.

NM_001323289.2(CDKL5):c.310C>A (p.Pro104Thr)

Gene: CDKL5 (cyclin dependent kinase like 5; plus strand). Cytogenetic location: Xp22.13.
Variant type: single nucleotide variant.
Coding change: c.310C>A on transcript NM_001323289.2 (MANE Select); coding-DNA position 310, C replaced by A.
Protein change: p.Pro104Thr; replaces proline 104 with threonine.
Molecular consequence: missense variant.
Genome position (GRCh38, 1-based): chrX:18,579,875, C>A. VCF-style: chrX-18579875-C-A. GRCh37 (hg19) VCF-style: chrX-18597995-C-A.
Other names: c.310C>A, p.Pro104Thr (NM_001037343.2, NM_003159.3); short protein forms P104T.
Identifiers: ClinVar variation 589079 (VCV000589079.5), dbSNP rs1569213881, ClinGen allele CA412349911.